The following is an entry in ClinVar:

NM_015271.5(TRIM2):c.95G>A (p.Gly32Asp)

Gene: TRIM2 (tripartite motif containing 2; plus strand). Cytogenetic location: 4q31.3.
Variant type: single nucleotide variant.
Coding change: c.95G>A on transcript NM_015271.5 (MANE Select); coding-DNA position 95, G replaced by A.
Protein change: p.Gly32Asp; replaces glycine 32 with aspartic acid.
Molecular consequence: missense variant. On other transcripts: 5 prime UTR variant (3), intron variant (1).
Genome position (GRCh38, 1-based): chr4:153,270,399, G>A. VCF-style: chr4-153270399-G-A. GRCh37 (hg19) VCF-style: chr4-154191551-G-A.
Other names: c.14G>A, p.Gly5Asp (NM_001130067.2, NM_001351056.2, NM_001375512.1 and 5 more transcripts); c.95G>A, p.Gly32Asp (NM_001302692.2, NM_001375488.1, NM_001375490.1 and 1 more transcripts); c.92G>A, p.Gly31Asp (NM_001302693.2, NM_001375489.1, NM_001375491.1 and 1 more transcripts); c.68G>A, p.Gly23Asp (NM_001302694.2, NM_001351054.2); c.65G>A, p.Gly22Asp (NM_001351055.2); c.-463G>A (NM_001351057.2); c.-195G>A (NM_001375522.1, NM_001375523.1); c.-124-5494G>A (NM_001375525.1); short protein forms G32D, G23D, G31D, G22D, G5D.
Identifiers: ClinVar variation 2146834 (VCV002146834.4), dbSNP rs1293116519, ClinGen allele CA358468980.

ClinVar aggregate classification (germline): Uncertain significance (1 of 4 stars; one submission).

Conditions:
Charcot-Marie-Tooth disease type 2R. Also called: CHARCOT-MARIE-TOOTH DISEASE, AXONAL, AUTOSOMAL RECESSIVE, TYPE 2R; Charcot-Marie-Tooth disease, axonal, type 2R; CHARCOT-MARIE-TOOTH NEUROPATHY, TYPE 2R. Identifiers: Orphanet 397968, MedGen C3809655, MONDO:0014208, OMIM 615490.

Allele frequency attached by ClinVar (database versions not stated): gnomAD 0.00001; TOPMed 0.00001.
gnomAD v4.1: 23 of 1,613,832 alleles (0.0014%); highest among the groups gnomAD compares: Non-Finnish European, 0.0019%; no homozygotes.

Submission:

Labcorp Genetics (formerly Invitae), Labcorp
Classification: Uncertain significance for Charcot-Marie-Tooth disease type 2R. Last evaluated: 2024-09-12. Review status: criteria provided, single submitter. Criteria: Invitae Variant Classification Sherloc (09022015). Collection method: clinical testing. Allele origin: germline.
Comment: This sequence change replaces glycine, which is neutral and non-polar, with aspartic acid, which is acidic and polar, at codon 5 of the TRIM2 protein (p.Gly5Asp). This variant is not present in population databases (gnomAD no frequency). This variant has not been reported in the literature in individuals affected with TRIM2-related conditions. ClinVar contains an entry for this variant (Variation ID: 2146834). An algorithm developed to predict the effect of missense changes on protein structure and function (PolyPhen-2) suggests that this variant is likely to be tolerated. In summary, the available evidence is currently insufficient to determine the role of this variant in disease. Therefore, it has been classified as a Variant of Uncertain Significance.